The following is an entry in ClinVar:

ClinVar aggregate classification (germline): Benign/Likely benign. Review status: criteria provided, multiple submitters, no conflicts (2 of 4 stars). 5 submissions from 5 submitters: Benign (3); Likely benign (2). Last evaluated 2026-05-12.

Conditions:
Iodotyrosyl coupling defect (TDH3). Also called: HYPOTHYROIDISM, CONGENITAL, DUE TO DYSHORMONOGENESIS, 3; THYROID HORMONOGENESIS, GENETIC DEFECT IN, 3. Identifiers: Orphanet 95716, MedGen C0342194, MONDO:0010135, OMIM 274700.
TG-related disorder. Also called: TG-related condition; TG-related disorders.

Allele frequency attached by ClinVar (database versions not stated): gnomAD exomes 0.00247; ExAC 0.00296; gnomAD 0.00987 and 0.01068; TOPMed 0.01051; 1000 Genomes Project 0.01058; 1000 Genomes Project 30x 0.01109; ESP Exome Variant Server 0.01123.
gnomAD v4.1: 2,870 of 1,614,110 alleles (0.18%); highest among the groups gnomAD compares: African/African-American, 3.3%; 39 homozygotes.

Submissions (5):

Women's Health and Genetics/Laboratory Corporation of America, LabCorp
Classification: Benign. Last evaluated: 2026-05-12. Review status: criteria provided, single submitter. Criteria: LabCorp Variant Classification Summary - May 2015. Collection method: clinical testing. Allele origin: germline.

PreventionGenetics, part of Exact Sciences
Classification: Benign for TG-related condition. Last evaluated: 2026-04-28. Review status: criteria provided, single submitter. Criteria: ACMG Guidelines, 2015. Collection method: clinical testing. Allele origin: germline.
Comment: This variant is classified as benign based on ACMG/AMP sequence variant interpretation guidelines (Richards et al. 2015 PMID: 25741868, with internal and published modifications).

Labcorp Genetics (formerly Invitae), Labcorp
Classification: Benign. Last evaluated: 2026-01-31. Review status: criteria provided, single submitter. Criteria: Invitae Variant Classification Sherloc (09022015). Collection method: clinical testing. Allele origin: germline.

Illumina Laboratory Services, Illumina
Classification: Likely benign for Iodotyrosyl coupling defect. Last evaluated: 2018-01-12. Review status: criteria provided, single submitter. Criteria: ICSL Variant Classification Criteria 13 December 2019. Collection method: clinical testing. Allele origin: germline.
Comment: This variant was observed in the ICSL laboratory as part of a predisposition screen in an ostensibly healthy population. It had not been previously curated by ICSL or reported in the Human Gene Mutation Database (HGMD: prior to June 1st, 2018), and was therefore a candidate for classification through an automated scoring system. Utilizing variant allele frequency, disease prevalence and penetrance estimates, and inheritance mode, an automated score was calculated to assess if this variant is too frequent to cause the disease. Based on the score and internal cut-off values, a variant classified as likely benign is not then subjected to further curation. The score for this variant resulted in a classification of likely benign for this disease.

Breakthrough Genomics
Classification: Likely benign. Review status: criteria provided, single submitter. Criteria: ACMG Guidelines, 2015. Collection method: not provided. Allele origin: germline. Inheritance: Autosomal recessive inheritance. Affected: yes.

NM_003235.5(TG):c.4365C>T (p.Asp1455=)

Gene: TG (thyroglobulin; plus strand). Cytogenetic location: 8q24.22.
Variant type: single nucleotide variant.
Coding change: c.4365C>T on transcript NM_003235.5 (MANE Select); coding-DNA position 4365, C replaced by T.
Protein change: p.Asp1455=; no amino-acid change (aspartic acid 1455 retained).
Molecular consequence: synonymous variant.
Genome position (GRCh38, 1-based): chr8:132,913,252, C>T. VCF-style: chr8-132913252-C-T. GRCh37 (hg19) VCF-style: chr8-133925497-C-T.
Identifiers: ClinVar variation 361959 (VCV000361959.15), dbSNP rs57453794, ClinGen allele CA4884099.